The following is an entry in ClinVar:

ClinVar aggregate classification (germline): Likely pathogenic (1 of 4 stars; one submission).

Submission:

GeneDx
Classification: Likely pathogenic. Last evaluated: 2016-10-27. Review status: criteria provided, single submitter. Criteria: GeneDx Variant Classification (06012015). Collection method: clinical testing. Allele origin: germline. Affected: yes.
Comment: The E4082X variant in the LRP2 gene has not been reported previously as a pathogenic variant nor as a benign variant, to our knowledge. This variant is predicted to cause loss of normal protein function either through protein truncation or nonsense-mediated mRNA decay. The E4082X variant was not observed in approximately 6500 individuals of European and African American ancestry in the NHLBI Exome Sequencing Project, indicating it is not a common benign variant in these populations. We interpret E4082X as a likely pathogenic variant.

NM_004525.3(LRP2):c.12244G>T (p.Glu4082Ter)

Gene: LRP2 (LDL receptor related protein 2; minus strand). Cytogenetic location: 2q31.1.
Variant type: single nucleotide variant.
Coding change: c.12244G>T on transcript NM_004525.3 (MANE Select); coding-DNA position 12244, G replaced by T.
Protein change: p.Glu4082Ter; replaces glutamic acid 4082 with a stop codon.
Molecular consequence: nonsense.
Genome position (GRCh38, 1-based): chr2:169,154,511, C>A on the plus strand (G>T on the coding strand, the complement: LRP2 is on the minus strand). VCF-style: chr2-169154511-C-A. GRCh37 (hg19) VCF-style: chr2-170011021-C-A.
Other names: short protein forms E4082*.
Identifiers: ClinVar variation 380563 (VCV000380563.2), dbSNP rs1057520861, ClinGen allele CA16604061.